The following is an entry in ClinVar:

ClinVar aggregate classification (germline): Uncertain significance (1 of 4 stars; one submission).

Allele frequency attached by ClinVar (database versions not stated): gnomAD exomes below 0.00001.
gnomAD v4.1: 2 of 1,613,540 alleles (0.00012%); highest among the groups gnomAD compares: Admixed American, 0.0017%; no homozygotes.

Submission:

Labcorp Genetics (formerly Invitae), Labcorp
Classification: Uncertain significance. Last evaluated: 2022-02-24. Review status: criteria provided, single submitter. Criteria: Invitae Variant Classification Sherloc (09022015). Collection method: clinical testing. Allele origin: germline.
Comment: This sequence change replaces glycine, which is neutral and non-polar, with aspartic acid, which is acidic and polar, at codon 101 of the NDUFA9 protein (p.Gly101Asp). This variant is present in population databases (no rsID available, gnomAD 0.003%). This variant has not been reported in the literature in individuals affected with NDUFA9-related conditions. Algorithms developed to predict the effect of missense changes on protein structure and function (SIFT, PolyPhen-2, Align-GVGD) all suggest that this variant is likely to be disruptive. In summary, the available evidence is currently insufficient to determine the role of this variant in disease. Therefore, it has been classified as a Variant of Uncertain Significance.

NM_005002.5(NDUFA9):c.302G>A (p.Gly101Asp)

Gene: NDUFA9 (NADH:ubiquinone oxidoreductase subunit A9; plus strand). Cytogenetic location: 12p13.32.
Variant type: single nucleotide variant.
Coding change: c.302G>A on transcript NM_005002.5 (MANE Select); coding-DNA position 302, G replaced by A.
Protein change: p.Gly101Asp; replaces glycine 101 with aspartic acid.
Molecular consequence: missense variant.
Genome position (GRCh38, 1-based): chr12:4,654,906, G>A. VCF-style: chr12-4654906-G-A. GRCh37 (hg19) VCF-style: chr12-4764072-G-A.
Other names: short protein forms G101D.
Identifiers: ClinVar variation 1351785 (VCV001351785.6), dbSNP rs1394888431, ClinGen allele CA383449051.